The following is an entry in ClinVar:

NM_000136.3(FANCC):c.37C>T (p.Gln13Ter)

Gene: FANCC (FA complementation group C; minus strand). Cytogenetic location: 9q22.32.
Variant type: single nucleotide variant.
Coding change: c.37C>T on transcript NM_000136.3 (MANE Select); coding-DNA position 37, C replaced by T.
Protein change: p.Gln13Ter; replaces glutamine 13 with a stop codon.
Molecular consequence: nonsense.
Genome position (GRCh38, 1-based): chr9:95,249,255, G>A on the plus strand (C>T on the coding strand, the complement: FANCC is on the minus strand). VCF-style: chr9-95249255-G-A. GRCh37 (hg19) VCF-style: chr9-98011537-G-A.
Other names: p.Q13*:CAG>TAG; c.37C>T, p.Gln13Ter (NM_001243743.2, NM_001243744.2); short protein forms Q13*.
Identifiers: ClinVar variation 12046 (VCV000012046.63), dbSNP rs121917784, ClinGen allele CA287210.

ClinVar aggregate classification (germline): Pathogenic. Review status: criteria provided, multiple submitters, no conflicts (2 of 4 stars). 14 submissions from 14 submitters: Pathogenic (9). 5 of the submissions do not count toward it. Last evaluated 2025-08-28.

Conditions:
FANCC-related disorder. Also called: FANCC-related condition.
Hereditary cancer-predisposing syndrome. Also called: Neoplastic Syndromes, Hereditary; Tumor predisposition; Hereditary Cancer Syndrome; Hereditary neoplastic syndrome. Identifiers: Orphanet 140162, MedGen C0027672, MeSH D009386, MONDO:0015356.
Fanconi anemia (FA). Also called: Fanconi's anemia. Identifiers: Orphanet 84, MedGen C0015625, MeSH D005199, MONDO:0019391.
Fanconi anemia complementation group C (FANCC). Also called: Fanconi anemia, group C; FANCONI PANCYTOPENIA, TYPE 3; FACC; FANCC-Related Fanconi Anemia. Identifiers: Orphanet 84, MedGen C3468041, MONDO:0009213, OMIM 227645.

Allele frequency attached by ClinVar (database versions not stated): gnomAD exomes below 0.00001 and 0.00001; TOPMed below 0.00001; ExAC 0.00001; gnomAD 0.00001.
gnomAD v4.1: 8 of 1,614,012 alleles (0.0005%); highest among the groups gnomAD compares: Non-Finnish European, 0.00068%; no homozygotes.

Submissions (14):

Natera, Inc.
Classification: Pathogenic for Fanconi anemia. Last evaluated: 2025-08-28. Review status: criteria provided, single submitter. Criteria: Natera Variant Classification Schema (03/2026). Collection method: clinical testing. Allele origin: germline.
Comment: The c.37C>T variant in FANCC is a nonsense variant predicted to introduce a stop codon at amino acid 13. This variant is expected to result in nonsense mediated decay, truncation, or a dysfunctional protein product. This variant is rare in the general population with a frequency below the threshold expected for the associated phenotype(s). This variant has been observed in one or more individuals affected with the associated recessive disease, as either homozygous or compound heterozygous with a second variant (PMID: 8128956, 8103176). Given the available evidence, this variant is classified as Pathogenic.

Blueprint Genetics
Classification: Pathogenic for FANCC-related disorders. Last evaluated: 2024-08-13. Review status: criteria provided, single submitter. Criteria: ACMG Guidelines, 2015. Collection method: clinical testing. Allele origin: germline. Affected: yes. Observed: 3 variant alleles.

Labcorp Genetics (formerly Invitae), Labcorp
Classification: Pathogenic for Fanconi anemia. Last evaluated: 2024-03-02. Review status: criteria provided, single submitter. Criteria: Invitae Variant Classification Sherloc (09022015). Collection method: clinical testing. Allele origin: germline.
Comment: This sequence change creates a premature translational stop signal (p.Gln13*) in the FANCC gene. It is expected to result in an absent or disrupted protein product. Loss-of-function variants in FANCC are known to be pathogenic (PMID: 17924555). This variant is present in population databases (rs121917784, gnomAD 0.003%). This premature translational stop signal has been observed in individual(s) with Fanconi anemia (PMID: 8103176, 8128956, 9207444, 26740942). In at least one individual the data is consistent with being in trans (on the opposite chromosome) from a pathogenic variant. This variant is also known as c.292C>T. ClinVar contains an entry for this variant (Variation ID: 12046). For these reasons, this variant has been classified as Pathogenic.

GeneDx
Classification: Pathogenic. Last evaluated: 2023-04-27. Review status: criteria provided, single submitter. Criteria: GeneDx Variant Classification Process June 2021. Collection method: clinical testing. Allele origin: germline. Affected: yes.
Comment: Nonsense variant predicted to result in protein truncation or nonsense mediated decay in a gene for which loss-of-function is a known mechanism of disease; Not observed at significant frequency in large population cohorts (gnomAD); Observed in the heterozygous state in individuals with breast and other cancers referred for genetic testing at GeneDx; This variant is associated with the following publications: (PMID: 17384215, 8103176, 8844212, 24584348, 26596371, 12552564, 8128956, 29922827, 26740942, 12670332, 20869034, 12393516, 10666230, 15516848, 9207444, 26681312, 8639804, 31937788, 29625052, 31589614)

Ambry Genetics
Classification: Pathogenic for Hereditary cancer-predisposing syndrome. Last evaluated: 2021-08-12. Review status: criteria provided, single submitter. Criteria: Ambry Variant Classification Scheme 2023. Collection method: clinical testing. Allele origin: germline.
Comment: The p.Q13* pathogenic mutation (also known as c.37C>T), located in coding exon 1 of the FANCC gene, results from a C to T substitution at nucleotide position 37. This changes the amino acid from a glutamine to a stop codon within coding exon 1. This alteration has been reported in the homozygous and compound heterozygous state in multiple individuals with a clinical diagnosis of Fanconi anemia (Verlander PC et al. Am. J. Hum. Genet., 1994 Apr;54:595-601; Murer-Orlando M et al. Lancet, 1993 Sep;342:686; Gillio AP et al. Blood, 1997 Jul;90:105-10; Nicchia E et al. Mol Genet Genomic Med, 2015 Nov;3:500-12). In addition to the information presented in the literature, this alteration is expected to result in loss of function by premature protein truncation or nonsense-mediated mRNA decay. As such, this alteration is interpreted as a disease-causing mutation.

Fulgent Genetics
Classification: Pathogenic for Fanconi anemia complementation group C. Last evaluated: 2021-07-06. Review status: criteria provided, single submitter. Criteria: ACMG Guidelines, 2015. Collection method: clinical testing. Allele origin: unknown.

Revvity Omics, Revvity
Classification: Pathogenic for Fanconi anemia complementation group C. Last evaluated: 2019-05-21. Review status: criteria provided, single submitter. Criteria: ACMG Guidelines, 2015. Collection method: clinical testing. Allele origin: germline.

Women's Health and Genetics/Laboratory Corporation of America, LabCorp
Classification: Pathogenic for Fanconi anemia, complementation group C. Last evaluated: 2018-02-15. Review status: criteria provided, single submitter. Criteria: LabCorp Variant Classification Summary - May 2015. Collection method: clinical testing. Allele origin: germline.
Comment: Variant summary: FANCC c.37C>T (p.Gln13X) results in a premature termination codon, predicted to cause a truncation of the encoded protein or absence of the protein due to nonsense mediated decay, which are commonly known mechanisms for disease. Truncations downstream of this position have been classified as pathogenic by our laboratory (eg. c.65G>A, p.Trp22X; c.553C>T, p.Arg185X; c.1642C>T, p.Arg548X). The variant allele was found at a frequency of 8.1e-06 in 245648 control chromosomes (gnomAD). This frequency is not significantly higher than expected for a pathogenic variant in FANCC causing Fanconi Anemia Group C (8.1e-06 vs 1.80E-03), allowing no conclusion about variant significance. c.37C>T has been reported in the literature in multiple individuals affected with Fanconi Anemia Group C (De Rocco_2014, Gillio_1997, Susswein_2015). These data indicate that the variant is very likely to be associated with disease. To our knowledge, no experimental evidence demonstrating an impact on protein function has been reported. Three clinical diagnostic laboratories have submitted clinical-significance assessments for this variant to ClinVar after 2014 without evidence for independent evaluation. All laboratories classified the variant as pathogenic. Based on the evidence outlined above, the variant was classified as pathogenic.

Baylor Genetics
Classification: Pathogenic for Fanconi anemia complementation group C. Review status: criteria provided, single submitter. Criteria: ACMG Guidelines, 2015. Collection method: clinical testing. Allele origin: germline.

PreventionGenetics, part of Exact Sciences
Classification: Pathogenic for FANCC-related condition. Last evaluated: 2024-08-08. Review status: no assertion criteria provided. Collection method: clinical testing. Allele origin: germline. Not counted in ClinVar's aggregate classification.
Comment: The FANCC c.37C>T variant is predicted to result in premature protein termination (p.Gln13*). This variant is alternatively referred to as 292C>T in literature. It has been reported in the compound heterozygous or homozygous state in several individuals with Fanconi anemia (Verlander et al. 1994. PubMed ID: 8128956; Gillio et al. 1997. PubMed ID: 9207444). It has also been reported in an individual with diffuse B-cell lymphoma (Table S2A, Huang et al. 2018. PubMed ID: 29625052) and in one individual with breast cancer (Table S1, Susswein et al. 2015. PubMed ID: 26681312). This variant is reported in 0.0029% of alleles in individuals of Latino descent in gnomAD and is interpreted as pathogenic/likely pathogenic in ClinVar. Nonsense variants in FANCC are expected to be pathogenic. This variant is interpreted as pathogenic.

Leiden Open Variation Database
Classification: Pathogenic for Fanconi anemia complementation group C. Last evaluated: 2020-02-28. Review status: no assertion criteria provided. Collection method: curation. Allele origin: germline. Affected: yes. Not counted in ClinVar's aggregate classification.
Comment: Curator: Arleen D. Auerbach. Submitter to LOVD: Arleen D. Auerbach.

Counsyl
Classification: Likely pathogenic for Fanconi anemia, complementation group C. Last evaluated: 2014-05-27. Review status: no assertion criteria provided. Collection method: literature only. Allele origin: unknown. Inheritance: Autosomal recessive inheritance. Not counted in ClinVar's aggregate classification.

OMIM
Classification: Pathogenic for FANCONI ANEMIA, COMPLEMENTATION GROUP C. Last evaluated: 1993-09-11. Review status: no assertion criteria provided. Collection method: literature only. Allele origin: germline. Not counted in ClinVar's aggregate classification.

GeneReviews
No classification provided. Condition: Fanconi anemia complementation group C. Review status: no classification provided. Collection method: literature only. Allele origin: germline. Not counted in ClinVar's aggregate classification.
Comment: Common in northern Europeans

Literature cited by the submitters: PubMed 8128956 (cited by 5 submitters); PubMed 8103176 (cited by 5 submitters); PubMed 17924555 (cited by Labcorp Genetics (formerly Invitae), Labcorp); PubMed 9207444 (cited by 4 submitters); PubMed 26740942 (cited by Labcorp Genetics (formerly Invitae), Labcorp and Ambry Genetics); PubMed 26681312 (cited by Ambry Genetics and Women's Health and Genetics/Laboratory Corporation of America, LabCorp); PubMed 33471991 (cited by Ambry Genetics); PubMed 8844212 (cited by Ambry Genetics and Counsyl); PubMed 24584348 (cited by Women's Health and Genetics/Laboratory Corporation of America, LabCorp); PubMed 08103176 (cited by Leiden Open Variation Database); PubMed 08844212 (cited by Leiden Open Variation Database); NCBI Bookshelf NBK1401 (cited by GeneReviews); PubMed 20301575 (cited by GeneReviews).